The following is an entry in ClinVar:

NM_000051.4(ATM):c.3578T>C (p.Val1193Ala)

Gene: ATM (ATM serine/threonine kinase; plus strand). Cytogenetic location: 11q22.3.
Variant type: single nucleotide variant.
Coding change: c.3578T>C on transcript NM_000051.4 (MANE Select); coding-DNA position 3578, T replaced by C.
Protein change: p.Val1193Ala; replaces valine 1193 with alanine.
Molecular consequence: missense variant.
Genome position (GRCh38, 1-based): chr11:108,282,711, T>C. VCF-style: chr11-108282711-T-C. GRCh37 (hg19) VCF-style: chr11-108153438-T-C.
Other names: c.3578T>C, p.Val1193Ala (NM_001351834.2); short protein forms V1193A.
Identifiers: ClinVar variation 659898 (VCV000659898.8), dbSNP rs1591640918, ClinGen allele CA382522437.

ClinVar aggregate classification (germline): Uncertain significance. Review status: criteria provided, multiple submitters, no conflicts (2 of 4 stars). 2 submissions from 2 submitters: Uncertain significance (2). Last evaluated 2022-07-11.

Conditions:
Hereditary cancer-predisposing syndrome. Also called: Neoplastic Syndromes, Hereditary; Hereditary neoplastic syndrome; Tumor predisposition; Hereditary Cancer Syndrome. Identifiers: Orphanet 140162, MedGen C0027672, MeSH D009386, MONDO:0015356.
Ataxia-telangiectasia syndrome (AT). Also called: Ataxia-telangiectasia, complementation group D; AT, COMPLEMENTATION GROUP C; Ataxia telangiectasia (A-T); Cerebello-oculocutaneous telangiectasia; Immunodeficiency with ataxia telangiectasia; ATAXIA-TELANGIECTASIA, COMPLEMENTATION GROUP A. Identifiers: Orphanet 100, MedGen C0004135, MONDO:0008840, OMIM 208900.

Submissions (2):

Labcorp Genetics (formerly Invitae), Labcorp
Classification: Uncertain significance for Ataxia-telangiectasia syndrome. Last evaluated: 2022-07-11. Review status: criteria provided, single submitter. Criteria: Invitae Variant Classification Sherloc (09022015). Collection method: clinical testing. Allele origin: germline.
Comment: This sequence change replaces valine, which is neutral and non-polar, with alanine, which is neutral and non-polar, at codon 1193 of the ATM protein (p.Val1193Ala). This variant is not present in population databases (gnomAD no frequency). This variant has not been reported in the literature in individuals affected with ATM-related conditions. ClinVar contains an entry for this variant (Variation ID: 659898). Algorithms developed to predict the effect of missense changes on protein structure and function (SIFT, PolyPhen-2, Align-GVGD) all suggest that this variant is likely to be tolerated. In summary, the available evidence is currently insufficient to determine the role of this variant in disease. Therefore, it has been classified as a Variant of Uncertain Significance.

Color Diagnostics, LLC DBA Color Health
Classification: Uncertain significance for Hereditary cancer-predisposing syndrome. Last evaluated: 2021-01-19. Review status: criteria provided, single submitter. Criteria: ACMG Guidelines, 2015. Collection method: clinical testing. Allele origin: germline.
Comment: This missense variant replaces valine with alanine at codon 1193 of the ATM protein. Computational prediction suggests that this variant may not impact protein structure and function (internally defined REVEL score threshold <= 0.5, PMID: 27666373). To our knowledge, functional studies have not been reported for this variant. This variant has not been reported in individuals affected with hereditary cancer in the literature. This variant has not been identified in the general population by the Genome Aggregation Database (gnomAD). The available evidence is insufficient to determine the role of this variant in disease conclusively. Therefore, this variant is classified as a Variant of Uncertain Significance.